The following is an entry in ClinVar:

NM_182919.4(TICAM1):c.1663C>T (p.His555Tyr)

Gene: TICAM1 (TIR domain containing adaptor molecule 1; minus strand). Cytogenetic location: 19p13.3.
Variant type: single nucleotide variant.
Coding change: c.1663C>T on transcript NM_182919.4 (MANE Select); coding-DNA position 1663, C replaced by T.
Protein change: p.His555Tyr; replaces histidine 555 with tyrosine.
Molecular consequence: missense variant.
Genome position (GRCh38, 1-based): chr19:4,816,715, G>A on the plus strand (C>T on the coding strand, the complement: TICAM1 is on the minus strand). VCF-style: chr19-4816715-G-A. GRCh37 (hg19) VCF-style: chr19-4816727-G-A.
Other names: c.1621C>T, p.His541Tyr (NM_001385678.1); c.1528C>T, p.His510Tyr (NM_001385679.1); c.1021C>T, p.His341Tyr (NM_001385680.1); short protein forms H341Y, H555Y, H510Y, H541Y.
Identifiers: ClinVar variation 1933109 (VCV001933109.4), dbSNP rs2093586143, ClinGen allele CA403489097.
Genomic context (GRCh38, chr19:4,816,715, plus strand): 5'-GGAGGTAGGCTGAGTAGGCTGCGTTCAGTGCCGCCGCCTGCATCCGCTCACCGTCCAGGT[G>A]TTGGCTCTGTTCCCGCAGGGCTCGGGTGTCCTGTTCCTTCCTCCACATGGCCTTTCGGGC-3'
Protein context (NP_891549.1, residues 545-565): DTRALREQSQ[His555Tyr]LDGERMQAAA

ClinVar aggregate classification (germline): Uncertain significance (1 of 4 stars; one submission).

Conditions:
Encephalopathy, acute, infection-induced (herpes-specific), susceptibility to, 6. Also called: Herpes simplex encephalitis, susceptibility to, 4. Identifiers: Orphanet 1930, MedGen C3553869, MONDO:0013921, OMIM 614850.

Allele frequency attached by ClinVar (database versions not stated): gnomAD exomes below 0.00001; gnomAD 0.00001.

Submission:

Labcorp Genetics (formerly Invitae), Labcorp
Classification: Uncertain significance for Encephalopathy, acute, infection-induced (herpes-specific), susceptibility to, 6. Last evaluated: 2022-03-18. Review status: criteria provided, single submitter. Criteria: Invitae Variant Classification Sherloc (09022015). Collection method: clinical testing. Allele origin: germline.
Comment: In summary, the available evidence is currently insufficient to determine the role of this variant in disease. Therefore, it has been classified as a Variant of Uncertain Significance. Algorithms developed to predict the effect of missense changes on protein structure and function (SIFT, PolyPhen-2, Align-GVGD) all suggest that this variant is likely to be tolerated. This variant has not been reported in the literature in individuals affected with TICAM1-related conditions. This variant is not present in population databases (gnomAD no frequency). This sequence change replaces histidine, which is basic and polar, with tyrosine, which is neutral and polar, at codon 555 of the TICAM1 protein (p.His555Tyr).